The following is an entry in ClinVar:

ClinVar aggregate classification (germline): Uncertain significance. Review status: criteria provided, multiple submitters, no conflicts (2 of 4 stars). 2 submissions from 2 submitters: Uncertain significance (2). Last evaluated 2026-04-29.

Allele frequency attached by ClinVar (database versions not stated): gnomAD exomes below 0.00001.

Submissions (2):

Women's Health and Genetics/Laboratory Corporation of America, LabCorp
Classification: Uncertain significance. Last evaluated: 2026-04-29. Review status: criteria provided, single submitter. Criteria: LabCorp Variant Classification Summary - May 2015. Collection method: clinical testing. Allele origin: germline.
Comment: Variant summary: C1S c.717+6T>A alters a conserved nucleotide located close to a canonical splice site and therefore could affect mRNA splicing, leading to a significantly altered protein sequence. Several computational tools predict a significant impact on normal splicing: One predicts the variant abolishes a 5' splicing donor site. One predicts the variant weakens a 5' donor site. However, these predictions have yet to be confirmed by functional studies. The variant was absent in 251412 control chromosomes. The available data on variant occurrences in the general population are insufficient to allow any conclusion about variant significance. To our knowledge, no occurrence of c.717+6T>A in individuals affected with C1S-related conditions and no experimental evidence demonstrating its impact on protein function have been reported. ClinVar contains an entry for this variant (Variation ID: 2880803). Based on the evidence outlined above, the variant was classified as uncertain significance.

Labcorp Genetics (formerly Invitae), Labcorp
Classification: Uncertain significance. Last evaluated: 2023-11-24. Review status: criteria provided, single submitter. Criteria: Invitae Variant Classification Sherloc (09022015). Collection method: clinical testing. Allele origin: germline.
Comment: This sequence change falls in intron 6 of the C1S gene. It does not directly change the encoded amino acid sequence of the C1S protein. It affects a nucleotide within the consensus splice site. This variant is not present in population databases (gnomAD no frequency). This variant has not been reported in the literature in individuals affected with C1S-related conditions. Variants that disrupt the consensus splice site are a relatively common cause of aberrant splicing (PMID: 17576681, 9536098). Algorithms developed to predict the effect of sequence changes on RNA splicing suggest that this variant may disrupt the consensus splice site. In summary, the available evidence is currently insufficient to determine the role of this variant in disease. Therefore, it has been classified as a Variant of Uncertain Significance.

Literature cited by the submitters: PubMed 17576681 (cited by Labcorp Genetics (formerly Invitae), Labcorp); PubMed 9536098 (cited by Labcorp Genetics (formerly Invitae), Labcorp).

NM_001734.5(C1S):c.717+6T>A

Gene: C1S (complement C1s; plus strand). Cytogenetic location: 12p13.31.
Variant type: single nucleotide variant.
Coding change: c.717+6T>A on transcript NM_001734.5 (MANE Select); 6 bases into the intron after coding-DNA position 717, T replaced by A.
Molecular consequence: intron variant.
Genome position (GRCh38, 1-based): chr12:7,065,305, T>A. VCF-style: chr12-7065305-T-A. GRCh37 (hg19) VCF-style: chr12-7172609-T-A.
Other names: c.717+6T>A (NM_201442.4); c.216+6T>A (NM_001346850.2).
Identifiers: ClinVar variation 2880803 (VCV002880803.4), dbSNP rs2539598854, ClinGen allele CA2617388314.